The following is an entry in ClinVar:

NM_005359.6(SMAD4):c.139C>T (p.Leu47=)

Gene: SMAD4 (SMAD family member 4; plus strand). Cytogenetic location: 18q21.2.
Variant type: single nucleotide variant.
Coding change: c.139C>T on transcript NM_005359.6 (MANE Select); coding-DNA position 139, C replaced by T.
Protein change: p.Leu47=; no amino-acid change (leucine 47 retained).
Molecular consequence: synonymous variant. On other transcripts: non-coding transcript variant (2).
Genome position (GRCh38, 1-based): chr18:51,047,185, C>T. VCF-style: chr18-51047185-C-T. GRCh37 (hg19) VCF-style: chr18-48573555-C-T.
Other names: c.139C>T, p.Leu47= (NM_001407041.1, NM_001407042.1, NM_001407043.1).
Identifiers: ClinVar variation 2200729 (VCV002200729.5), dbSNP rs770789755, ClinGen allele CA503873454.

ClinVar aggregate classification (germline): Benign/Likely benign. Review status: criteria provided, multiple submitters, no conflicts (2 of 4 stars). 2 submissions from 2 submitters: Benign (1); Likely benign (1). Last evaluated 2025-03-18.

Conditions:
Juvenile polyposis syndrome (JPS). Identifiers: Orphanet 2929, MedGen C0345893, MONDO:0017380, OMIM 174900.
Juvenile polyposis/hereditary hemorrhagic telangiectasia syndrome (JPHT). Also called: JP/HHT SYNDROME; JUVENILE POLYPOSIS WITH HEREDITARY HEMORRHAGIC TELANGIECTASIA; POLYPOSIS, GENERALIZED JUVENILE, WITH PULMONARY ARTERIOVENOUS MALFORMATION; TELANGIECTASIA, HEREDITARY HEMORRHAGIC, WITH JUVENILE POLYPOSIS COLI; Juvenile Polyposis Syndrome / Hereditary Hemorrhagic Telangiectasia (JPS/HHT). Identifiers: Orphanet 2929, MedGen C1832942, MONDO:0008278, OMIM 175050.

Submissions (2):

Myriad Genetics, Inc.
Classification: Benign for Juvenile polyposis/hereditary hemorrhagic telangiectasia syndrome. Last evaluated: 2025-03-18. Review status: criteria provided, single submitter. Criteria: Myriad Autosomal Dominant, Autosomal Recessive and X-Linked Classification Criteria (2023). Collection method: clinical testing. Allele origin: unknown.
Comment: This variant is considered benign. This variant is a silent/synonymous amino acid change and it is not expected to impact splicing.

Labcorp Genetics (formerly Invitae), Labcorp
Classification: Likely benign for Juvenile polyposis syndrome. Last evaluated: 2022-04-07. Review status: criteria provided, single submitter. Criteria: Invitae Variant Classification Sherloc (09022015). Collection method: clinical testing. Allele origin: germline.